The following is an entry in ClinVar:

NM_022039.4(FBXW4):c.910G>A (p.Ala304Thr)

Gene: FBXW4 (F-box and WD repeat domain containing 4; minus strand). Cytogenetic location: 10q24.32.
Variant type: single nucleotide variant.
Coding change: c.910G>A on transcript NM_022039.4 (MANE Select); coding-DNA position 910, G replaced by A.
Protein change: p.Ala304Thr; replaces alanine 304 with threonine.
Molecular consequence: missense variant. On other transcripts: non-coding transcript variant (1).
Genome position (GRCh38, 1-based): chr10:101,673,585, C>T on the plus strand (G>A on the coding strand, the complement: FBXW4 is on the minus strand). VCF-style: chr10-101673585-C-T. GRCh37 (hg19) VCF-style: chr10-103433342-C-T.
Other names: c.184G>A, p.Ala62Thr (NM_001323541.2); short protein forms A304T, A62T.
Identifiers: ClinVar variation 3626941 (VCV003626941.2).
Genomic context (GRCh38, chr10:101,673,585, plus strand): 5'-AGTGGCAAACGTCCTCATCATGCCCAGCAAAGACTCCCAGAGGCCGACGATTCAAGCTGG[C>T]ACCATCTGGACGGAACTGGTAGGCCAGGATGAAATTAGCCTGGGATATGTACAGAGAATC-3'
Protein context (NP_071322.2, residues 294-314): ILAYQFRPDG[Ala304Thr]SLNRRPLGVF

ClinVar aggregate classification (germline): Uncertain significance (1 of 4 stars; one submission).

gnomAD v4.1: 12 of 1,613,906 alleles (0.00074%); highest among the groups gnomAD compares: East Asian, 0.0022%; no homozygotes.

Submission:

Labcorp Genetics (formerly Invitae), Labcorp
Classification: Uncertain significance. Last evaluated: 2024-11-02. Review status: criteria provided, single submitter. Criteria: Invitae Variant Classification Sherloc (09022015). Collection method: clinical testing. Allele origin: germline.
Comment: This sequence change replaces alanine, which is neutral and non-polar, with threonine, which is neutral and polar, at codon 149 of the FBXW4 protein (p.Ala149Thr). This variant is present in population databases (rs746642677, gnomAD 0.007%). This variant has not been reported in the literature in individuals affected with FBXW4-related conditions. An algorithm developed to predict the effect of missense changes on protein structure and function (PolyPhen-2) suggests that this variant is likely to be tolerated. In summary, the available evidence is currently insufficient to determine the role of this variant in disease. Therefore, it has been classified as a Variant of Uncertain Significance.